The following is an entry in ClinVar:

ClinVar aggregate classification (germline): Pathogenic/Likely pathogenic. Review status: criteria provided, multiple submitters, no conflicts (2 of 4 stars). 6 submissions from 5 submitters: Pathogenic (4); Likely pathogenic (2). Last evaluated 2025-12-09.

Conditions:
Bronchiectasis with or without elevated sweat chloride 1 (BESC1). Also called: Cystic Fibrosis-Like Syndrome. Identifiers: Orphanet 60033, MedGen C2749757, MONDO:0008887, OMIM 211400.
CFTR-related disorder (CFTR-RD). Also called: CFTR-related condition; CFTR-related disorders. Identifiers: MedGen C5924204, MONDO:7770004.
Cystic fibrosis (CF). Also called: MUCOVISCIDOSIS. Identifiers: Orphanet 586, MedGen C0010674, MONDO:0009061, OMIM 219700. Disease mechanism: loss of function.
Congenital bilateral aplasia of vas deferens from CFTR mutation (CBAVD). Identifiers: Orphanet 48, MedGen C0403814, MONDO:0010178, OMIM 277180. Disease mechanism: loss of function.

Allele frequency attached by ClinVar (database versions not stated): TOPMed below 0.00001.

Submissions (6):

Natera, Inc.
Classification: Pathogenic for CFTR-related disorders. Last evaluated: 2025-12-09. Review status: criteria provided, single submitter. Criteria: Natera Variant Classification Schema (03/2026). Collection method: clinical testing. Allele origin: germline.
Comment: The c.3796G>T variant in CFTR is a nonsense variant predicted to introduce a stop codon at amino acid 1266. This variant is expected to result in nonsense mediated decay, truncation, or a dysfunctional protein product. This variant is rare in the general population with a frequency below the threshold expected for the associated phenotype(s). This variant has been observed in one or more individuals affected with the associated recessive disease, as either homozygous or compound heterozygous with a second variant (PMID: 39582793). Given the available evidence, this variant is classified as Pathogenic.

Labcorp Genetics (formerly Invitae), Labcorp
Classification: Pathogenic for Cystic fibrosis. Last evaluated: 2023-12-14. Review status: criteria provided, single submitter. Criteria: Invitae Variant Classification Sherloc (09022015). Collection method: clinical testing. Allele origin: germline.
Comment: This sequence change creates a premature translational stop signal (p.Glu1266*) in the CFTR gene. It is expected to result in an absent or disrupted protein product. Loss-of-function variants in CFTR are known to be pathogenic (PMID: 1695717, 7691345, 9725922). This variant is not present in population databases (gnomAD no frequency). This premature translational stop signal has been observed in individual(s) with cystic fibrosis (PMID: 26708955). ClinVar contains an entry for this variant (Variation ID: 813448). For these reasons, this variant has been classified as Pathogenic.

Ambry Genetics
Classification: Pathogenic for Cystic fibrosis. Last evaluated: 2023-11-11. Review status: criteria provided, single submitter. Criteria: Ambry Variant Classification Scheme 2023. Collection method: clinical testing. Allele origin: germline.
Comment: The p.E1266* pathogenic mutation (also known as c.3796G>T), located in coding exon 23 of the CFTR gene, results from a G to T substitution at nucleotide position 3796. This changes the amino acid from a glutamic acid to a stop codon within coding exon 23. This variant was identified in 2 of 140 non-white cystic fibrosis patients undergoing CFTR genetic testing (Schrijver I et al. J Mol Diagn, 2016 Jan;18:39-50). This variant is considered to be rare based on population cohorts in the Genome Aggregation Database (gnomAD). In addition to the clinical data presented in the literature, this alteration is expected to result in loss of function by premature protein truncation or nonsense-mediated mRNA decay. As such, this alteration is interpreted as a disease-causing mutation.

Women's Health and Genetics/Laboratory Corporation of America, LabCorp
Classification: Pathogenic for Cystic fibrosis. Last evaluated: 2023-06-07. Review status: criteria provided, single submitter. Criteria: LabCorp Variant Classification Summary - May 2015. Collection method: clinical testing. Allele origin: germline.
Comment: Variant summary: CFTR c.3796G>T (p.Glu1266X) results in a premature termination codon, predicted to cause a truncation of the encoded protein or absence of the protein due to nonsense mediated decay, which are commonly known mechanisms for disease. The variant was absent in 251024 control chromosomes. c.3796G>T has been reported in the literature in individuals affected with Cystic Fibrosis (Schrijver_2016). To our knowledge, no experimental evidence demonstrating an impact on protein function has been reported. The following publication have been ascertained in the context of this evaluation (PMID: 26708955). No clinical diagnostic laboratories have submitted clinical-significance assessments for this variant to ClinVar after 2014. Based on the evidence outlined above, the variant was classified as pathogenic.

Baylor Genetics
Classification: Likely pathogenic for Bronchiectasis with or without elevated sweat chloride 1. Last evaluated: 2023-01-23. Review status: criteria provided, single submitter. Criteria: ACMG Guidelines, 2015. Collection method: clinical testing. Allele origin: unknown.

Baylor Genetics
Classification: Likely pathogenic for Congenital bilateral aplasia of vas deferens from CFTR mutation; Cystic fibrosis. Review status: criteria provided, single submitter. Criteria: ACMG Guidelines, 2015. Collection method: clinical testing. Allele origin: germline.

Literature cited by the submitters: PubMed 39582793 (cited by Natera, Inc.); PubMed 1695717 (cited by Labcorp Genetics (formerly Invitae), Labcorp); PubMed 7691345 (cited by Labcorp Genetics (formerly Invitae), Labcorp); PubMed 9725922 (cited by Labcorp Genetics (formerly Invitae), Labcorp); PubMed 26708955 (cited by 3 submitters).

NM_000492.4(CFTR):c.3796G>T (p.Glu1266Ter)

Genes: CFTR (CF transmembrane conductance regulator; plus strand), CFTR-AS2 (CFTR antisense RNA 2; minus strand). Cytogenetic location: 7q31.2.
Variant type: single nucleotide variant.
Coding change: c.3796G>T on transcript NM_000492.4 (MANE Select); coding-DNA position 3796, G replaced by T.
Protein change: p.Glu1266Ter; replaces glutamic acid 1266 with a stop codon.
Molecular consequence: nonsense.
Genome position (GRCh38, 1-based): chr7:117,642,516, G>T. VCF-style: chr7-117642516-G-T. GRCh37 (hg19) VCF-style: chr7-117282570-G-T.
Other names: c.3796G>T (NM_000492.3); short protein forms E1266*.
Identifiers: ClinVar variation 813448 (VCV000813448.8), dbSNP rs1584837090, ClinGen allele CA368974987.